The following is an entry in ClinVar:

NM_001165963.4(SCN1A):c.3989T>C (p.Phe1330Ser)

Genes: SCN1A (sodium voltage-gated channel alpha subunit 1; minus strand), LOC102724058 (uncharacterized LOC102724058; plus strand). Cytogenetic location: 2q24.3.
Variant type: single nucleotide variant.
Coding change: c.3989T>C on transcript NM_001165963.4 (MANE Select); coding-DNA position 3989, T replaced by C.
Protein change: p.Phe1330Ser; replaces phenylalanine 1330 with serine.
Molecular consequence: missense variant. On other transcripts: non-coding transcript variant (1).
Genome position (GRCh38, 1-based): chr2:166,009,732, A>G on the plus strand (T>C on the coding strand, the complement: SCN1A is on the minus strand). VCF-style: chr2-166009732-A-G. GRCh37 (hg19) VCF-style: chr2-166866242-A-G.
Other names: c.3905T>C, p.Phe1302Ser (NM_001165964.3, NM_001353957.2, NM_001353958.2); c.3989T>C, p.Phe1330Ser (NM_001202435.3, NM_001353948.2); c.3956T>C, p.Phe1319Ser (NM_001353949.2, NM_001353950.2, NM_001353951.2 and 2 more transcripts); c.3953T>C, p.Phe1318Ser (NM_001353954.2, NM_001353955.2); c.3902T>C, p.Phe1301Ser (NM_001353960.2); c.1547T>C, p.Phe516Ser (NM_001353961.2); short protein forms F1330S, F1319S, F1301S, F1318S, F516S, F1302S.
Identifiers: ClinVar variation 571695 (VCV000571695.9), dbSNP rs1559140205, ClinGen allele CA349052909.

ClinVar aggregate classification (germline): Uncertain significance (1 of 4 stars; one submission).

Conditions:
Early-infantile DEE. Also called: Early infantile epileptic encephalopathy with suppression bursts; Early infantile epileptic encephalopathy; Ohtahara syndrome. Identifiers: Orphanet 1934, MedGen C0393706, MONDO:0800491.

Submission:

Labcorp Genetics (formerly Invitae), Labcorp
Classification: Uncertain significance for Early-infantile DEE. Last evaluated: 2018-03-21. Review status: criteria provided, single submitter. Criteria: Invitae Variant Classification Sherloc (09022015). Collection method: clinical testing. Allele origin: germline.
Comment: In summary, the available evidence is currently insufficient to determine the role of this variant in disease. Therefore, it has been classified as a Variant of Uncertain Significance. This variant identified in the SCN1A gene is located in the transmembrane D3-S4 region of the resulting protein (PMID: 25348405, 18804930), but it is unclear how this variant impacts the function of this protein. Algorithms developed to predict the effect of missense changes on protein structure and function (SIFT, PolyPhen-2, Align-GVGD) all suggest that this variant is likely to be disruptive, but these predictions have not been confirmed by published functional studies and their clinical significance is uncertain. This variant has not been reported in the literature in individuals with SCN1A-related disease. This variant is not present in population databases (ExAC no frequency). This sequence change replaces phenylalanine with serine at codon 1330 of the SCN1A protein (p.Phe1330Ser). The phenylalanine residue is highly conserved and there is a large physicochemical difference between phenylalanine and serine.

Literature cited by the submitters: PubMed 25348405; PubMed 18804930.